The following is an entry in ClinVar:

NM_002691.4(POLD1):c.2414G>T (p.Ser805Ile)

Gene: POLD1 (DNA polymerase delta 1, catalytic subunit; plus strand). Cytogenetic location: 19q13.33.
Variant type: single nucleotide variant.
Coding change: c.2414G>T on transcript NM_002691.4 (MANE Select); coding-DNA position 2414, G replaced by T.
Protein change: p.Ser805Ile; replaces serine 805 with isoleucine.
Molecular consequence: missense variant. On other transcripts: non-coding transcript variant (1).
Genome position (GRCh38, 1-based): chr19:50,414,840, G>T. VCF-style: chr19-50414840-G-T. GRCh37 (hg19) VCF-style: chr19-50918097-G-T.
Other names: c.2414G>T, p.Ser805Ile (NM_001256849.1); c.2492G>T, p.Ser831Ile (NM_001308632.1); c.2414G>T (NM_002691.2); short protein forms S831I, S805I.
Identifiers: ClinVar variation 1448802 (VCV001448802.7), dbSNP rs2039214128, ClinGen allele CA406984605.
Genomic context (GRCh38, chr19:50,414,840, plus strand): 5'-TCAGGCTCAGGGTCTTGGCCATGGCTCCCTCCCAGGTCTACTTCCCATACCTGCTTATCA[G>T]CAAGAAGCGCTACGCGGGCCTGCTCTTCTCCTCCCGGCCCGACGCCCACGACCGCATGGA-3'
Protein context (NP_002682.2, residues 795-815): EKVYFPYLLI[Ser805Ile]KKRYAGLLFS

ClinVar aggregate classification (germline): Uncertain significance. Review status: criteria provided, multiple submitters, no conflicts (2 of 4 stars). 2 submissions from 2 submitters: Uncertain significance (2). Last evaluated 2023-11-29.

Conditions:
POLD1-related polyposis and colorectal cancer syndrome (CRCS10). Also called: Colorectal cancer 10; COLORECTAL CANCER, SUSCEPTIBILITY TO, ON CHROMOSOME 19q; Colorectal cancer, susceptibility to, 10. Identifiers: Orphanet 220460, MedGen C2675481, MONDO:0012953, OMIM 612591.
Hereditary cancer-predisposing syndrome. Also called: Neoplastic Syndromes, Hereditary; Tumor predisposition; Hereditary Cancer Syndrome; Hereditary neoplastic syndrome. Identifiers: Orphanet 140162, MedGen C0027672, MeSH D009386, MONDO:0015356.

Submissions (2):

Ambry Genetics
Classification: Uncertain significance for Hereditary cancer-predisposing syndrome. Last evaluated: 2023-11-29. Review status: criteria provided, single submitter. Criteria: Ambry Variant Classification Scheme 2023. Collection method: clinical testing. Allele origin: germline.
Comment: The p.S805I variant (also known as c.2414G>T), located in coding exon 19 of the POLD1 gene, results from a G to T substitution at nucleotide position 2414. The serine at codon 805 is replaced by isoleucine, an amino acid with dissimilar properties. This amino acid position is conserved. In addition, this alteration is predicted to be tolerated by in silico analysis. Since supporting evidence is limited at this time, the clinical significance of this alteration remains unclear.

Labcorp Genetics (formerly Invitae), Labcorp
Classification: Uncertain significance for POLD1-related polyposis and colorectal cancer syndrome. Last evaluated: 2021-10-08. Review status: criteria provided, single submitter. Criteria: Invitae Variant Classification Sherloc (09022015). Collection method: clinical testing. Allele origin: germline.
Comment: In summary, the available evidence is currently insufficient to determine the role of this variant in disease. Therefore, it has been classified as a Variant of Uncertain Significance. Algorithms developed to predict the effect of missense changes on protein structure and function are either unavailable or do not agree on the potential impact of this missense change (SIFT: "Deleterious"; PolyPhen-2: "Possibly Damaging"; Align-GVGD: "Class C0"). This variant has not been reported in the literature in individuals affected with POLD1-related conditions. This variant is not present in population databases (ExAC no frequency). This sequence change replaces serine with isoleucine at codon 805 of the POLD1 protein (p.Ser805Ile). The serine residue is weakly conserved and there is a large physicochemical difference between serine and isoleucine.